The following is an entry in ClinVar:

ClinVar aggregate classification (germline): Uncertain significance (1 of 4 stars; one submission).

Conditions:
AMER1-related disorder. Also called: AMER1-related condition.

gnomAD v4.1: 1 of 1,210,165 alleles (0.000083%); highest among the groups gnomAD compares: African/African-American, 0.0018%; no homozygotes.

Submission:

PreventionGenetics, part of Exact Sciences
Classification: Uncertain significance for AMER1-related condition. Last evaluated: 2025-11-25. Review status: criteria provided, single submitter. Criteria: ACMG Guidelines, 2015. Collection method: clinical testing. Allele origin: germline.
Comment: The AMER1 c.1226T>A variant is predicted to result in the amino acid substitution p.Leu409Gln. To our knowledge, this variant has not been reported in the literature or in a large population database (gnomAD), indicating this variant is rare. At this time, the clinical significance of this variant is uncertain due to the absence of conclusive functional and genetic evidence.

NM_152424.4(AMER1):c.1226T>A (p.Leu409Gln)

Gene: AMER1 (APC membrane recruitment protein 1; minus strand). Cytogenetic location: Xq11.2.
Variant type: single nucleotide variant.
Coding change: c.1226T>A on transcript NM_152424.4 (MANE Select); coding-DNA position 1226, T replaced by A.
Protein change: p.Leu409Gln; replaces leucine 409 with glutamine.
Molecular consequence: missense variant.
Genome position (GRCh38, 1-based): chrX:64,192,061, A>T on the plus strand (T>A on the coding strand, the complement: AMER1 is on the minus strand). VCF-style: chrX-64192061-A-T. GRCh37 (hg19) VCF-style: chrX-63411941-A-T.
Other names: short protein forms L409Q.
Identifiers: ClinVar variation 4995974 (VCV004995974.1).